The following is an entry in ClinVar:

ClinVar aggregate classification (germline): Uncertain significance (1 of 4 stars; one submission).

Submission:

Women's Health and Genetics/Laboratory Corporation of America, LabCorp
Classification: Uncertain significance. Last evaluated: 2022-11-17. Review status: criteria provided, single submitter. Criteria: LabCorp Variant Classification Summary - May 2015. Collection method: clinical testing. Allele origin: germline.
Comment: Variant summary: TAF1 c.5459+1_5459+72dup72 is located in a canonical splice-site at the junction of the last intron and penultimate exon, and is predicted to affect mRNA splicing resulting in a significantly altered protein due to either exon skipping, shortening, or inclusion of intronic material. Several computational tools predict a significant impact on normal splicing: four predict the variant duplicates a 5' donor site, creating a novel, additional splice-site 72 nucleotides downstream from the original site (if this novel splice-site is utilized that would likely result in an in-frame insertion of 24 amino acids). However, these predictions have yet to be confirmed by functional studies. The variant was absent in 139272 control chromosomes (gnomAD). To our knowledge, no occurrence of c.5459+1_5459+72dup72 in individuals affected with Mental Retardation, X-Linked, Syndromic 33 and no experimental evidence demonstrating its impact on protein function have been reported. No clinical diagnostic laboratories have submitted clinical-significance assessments for this variant to ClinVar after 2014. Based on the evidence outlined above, the variant was classified as uncertain significance.

NM_004606.5(TAF1):c.5399+1_5399+72dup

Gene: TAF1 (TATA-box binding protein associated factor 1; plus strand). Cytogenetic location: Xq13.1.
Variant type: Duplication.
Coding change: c.5399+1_5399+72dup on transcript NM_004606.5 (MANE Select); the canonical splice donor site of the intron after coding-DNA position 5399 through 72 bases into the intron after coding-DNA position 5399, 72 bases duplicated.
Molecular consequence: splice donor variant.
Genome position (GRCh38, 1-based): chrX:71,460,804-71,460,875, 72 bases duplicated. GRCh37 (hg19): chrX:70,680,654-70,680,725.
Other names: c.5405+1_5405+72dup (NM_001286074.2); c.5336+1_5336+72dup (NM_138923.4).
Identifiers: ClinVar variation 1804766 (VCV001804766.1), dbSNP rs2522451400, ClinGen allele CA2580101388.